The following is an entry in ClinVar:

ClinVar aggregate classification (germline): Pathogenic (1 of 4 stars; one submission).

Conditions:
Neuromuscular disease caused by qualitative or quantitative defects of dysferlin. Also called: Qualitative or quantitative defects of dysferlin; Dysferlinopathy. Identifiers: Orphanet 207073, MedGen C2931687, MONDO:0016145.

Allele frequency attached by ClinVar (database versions not stated): TOPMed below 0.00001.

Submission:

Labcorp Genetics (formerly Invitae), Labcorp
Classification: Pathogenic for Neuromuscular disease caused by qualitative or quantitative defects of dysferlin. Last evaluated: 2024-01-18. Review status: criteria provided, single submitter. Criteria: Invitae Variant Classification Sherloc (09022015). Collection method: clinical testing. Allele origin: germline.
Comment: This sequence change creates a premature translational stop signal (p.Lys1598*) in the DYSF gene. It is expected to result in an absent or disrupted protein product. Loss-of-function variants in DYSF are known to be pathogenic (PMID: 17698709, 20301480). This variant is not present in population databases (gnomAD no frequency). This variant has not been reported in the literature in individuals affected with DYSF-related conditions. ClinVar contains an entry for this variant (Variation ID: 574900). For these reasons, this variant has been classified as Pathogenic.

Literature cited by the submitters: PubMed 17698709; PubMed 20301480.

NM_001130987.2(DYSF):c.4909A>T (p.Lys1637Ter)

Gene: DYSF (dysferlin; plus strand). Cytogenetic location: 2p13.2.
Variant type: single nucleotide variant.
Coding change: c.4909A>T on transcript NM_001130987.2 (MANE Select); coding-DNA position 4909, A replaced by T.
Protein change: p.Lys1637Ter; replaces lysine 1637 with a stop codon.
Molecular consequence: nonsense.
Genome position (GRCh38, 1-based): chr2:71,659,031, A>T. VCF-style: chr2-71659031-A-T. GRCh37 (hg19) VCF-style: chr2-71886161-A-T.
Other names: c.4795A>T, p.Lys1599Ter (NM_001130455.2); c.4750A>T, p.Lys1584Ter (NM_001130976.2); c.4813A>T, p.Lys1605Ter (NM_001130977.2); c.4855A>T, p.Lys1619Ter (NM_001130978.2); c.4885A>T, p.Lys1629Ter (NM_001130979.2); c.4843A>T, p.Lys1615Ter (NM_001130980.2); c.4906A>T, p.Lys1636Ter (NM_001130981.2); c.4888A>T, p.Lys1630Ter (NM_001130982.2); and 5 more; short protein forms K1598*, K1637*, K1605*, K1606*, K1616*, K1636*, K1599*, K1620*.
Identifiers: ClinVar variation 574900 (VCV000574900.6), dbSNP rs1558750788, ClinGen allele CA347219916.